The following is an entry in ClinVar:

NM_033026.6(PCLO):c.800C>T (p.Thr267Ile)

Gene: PCLO (piccolo presynaptic cytomatrix protein; minus strand). Cytogenetic location: 7q21.11.
Variant type: single nucleotide variant.
Coding change: c.800C>T on transcript NM_033026.6 (MANE Select); coding-DNA position 800, C replaced by T.
Protein change: p.Thr267Ile; replaces threonine 267 with isoleucine.
Molecular consequence: missense variant.
Genome position (GRCh38, 1-based): chr7:83,155,841, G>A on the plus strand (C>T on the coding strand, the complement: PCLO is on the minus strand). VCF-style: chr7-83155841-G-A. GRCh37 (hg19) VCF-style: chr7-82785157-G-A.
Other names: c.800C>T, p.Thr267Ile (NM_014510.3); short protein forms T267I.
Identifiers: ClinVar variation 1405490 (VCV001405490.8), dbSNP rs1324052309, ClinGen allele CA367919295.

ClinVar aggregate classification (germline): Uncertain significance (1 of 4 stars; one submission).

Allele frequency attached by ClinVar (database versions not stated): gnomAD exomes 0.00001.

Submission:

Labcorp Genetics (formerly Invitae), Labcorp
Classification: Uncertain significance. Last evaluated: 2023-08-04. Review status: criteria provided, single submitter. Criteria: Invitae Variant Classification Sherloc (09022015). Collection method: clinical testing. Allele origin: germline.
Comment: In summary, the available evidence is currently insufficient to determine the role of this variant in disease. Therefore, it has been classified as a Variant of Uncertain Significance. Algorithms developed to predict the effect of missense changes on protein structure and function output the following: SIFT: "Not Available"; PolyPhen-2: "Not Available"; Align-GVGD: "Not Available". The isoleucine amino acid residue is found in multiple mammalian species, which suggests that this missense change does not adversely affect protein function. ClinVar contains an entry for this variant (Variation ID: 1405490). This variant has not been reported in the literature in individuals affected with PCLO-related conditions. This variant is present in population databases (no rsID available, gnomAD 0.002%). This sequence change replaces threonine, which is neutral and polar, with isoleucine, which is neutral and non-polar, at codon 267 of the PCLO protein (p.Thr267Ile).